The following is an entry in ClinVar:

NM_006265.3(RAD21):c.357G>C (p.Gln119His)

Gene: RAD21 (RAD21 cohesin complex component; minus strand). Cytogenetic location: 8q24.11.
Variant type: single nucleotide variant.
Coding change: c.357G>C on transcript NM_006265.3 (MANE Select); coding-DNA position 357, G replaced by C.
Protein change: p.Gln119His; replaces glutamine 119 with histidine.
Molecular consequence: missense variant.
Genome position (GRCh38, 1-based): chr8:116,861,858, C>G on the plus strand (G>C on the coding strand, the complement: RAD21 is on the minus strand). VCF-style: chr8-116861858-C-G. GRCh37 (hg19) VCF-style: chr8-117874097-C-G.
Other names: short protein forms Q119H.
Identifiers: ClinVar variation 1315871 (VCV001315871.3), dbSNP rs763028310, ClinGen allele CA4853114.

ClinVar aggregate classification (germline): Uncertain significance. Review status: criteria provided, multiple submitters, no conflicts (2 of 4 stars). 2 submissions from 2 submitters: Uncertain significance (2). Last evaluated 2025-03-18.

Conditions:
Cornelia de Lange syndrome 4 (CDLS4). Also called: RAD21-Related Cornelia de Lange Syndrome; CORNELIA DE LANGE SYNDROME 4 WITH OR WITHOUT MIDLINE BRAIN DEFECTS. Identifiers: Orphanet 199, MedGen C3553517, MONDO:0013864, OMIM 614701.

Allele frequency attached by ClinVar (database versions not stated): gnomAD exomes below 0.00001; TOPMed below 0.00001; ExAC 0.00001; gnomAD 0.00001.
gnomAD v4.1: 2 of 1,610,472 alleles (0.00012%); highest among the groups gnomAD compares: Non-Finnish European, 0.00017%; no homozygotes.

Submissions (2):

Labcorp Genetics (formerly Invitae), Labcorp
Classification: Uncertain significance for Cornelia de Lange syndrome 4. Last evaluated: 2025-03-18. Review status: criteria provided, single submitter. Criteria: Invitae Variant Classification Sherloc (09022015). Collection method: clinical testing. Allele origin: germline.
Comment: This sequence change replaces glutamine, which is neutral and polar, with histidine, which is basic and polar, at codon 119 of the RAD21 protein (p.Gln119His). This variant is present in population databases (rs763028310, gnomAD 0.0009%). This variant has not been reported in the literature in individuals affected with RAD21-related conditions. ClinVar contains an entry for this variant (Variation ID: 1315871). Invitae Evidence Modeling of protein sequence and biophysical properties (such as structural, functional, and spatial information, amino acid conservation, physicochemical variation, residue mobility, and thermodynamic stability) has been performed for this missense variant. However, the output from this modeling did not meet the statistical confidence thresholds required to predict the impact of this variant on RAD21 protein function. In summary, the available evidence is currently insufficient to determine the role of this variant in disease. Therefore, it has been classified as a Variant of Uncertain Significance.

GeneDx
Classification: Uncertain significance. Last evaluated: 2019-10-12. Review status: criteria provided, single submitter. Criteria: GeneDx Variant Classification Process June 2021. Collection method: clinical testing. Allele origin: germline. Affected: yes.
Comment: Not observed at a significant frequency in large population cohorts (Lek et al., 2016); In silico analysis, which includes protein predictors and evolutionary conservation, supports that this variant does not alter protein structure/function; Has not been previously published as pathogenic or benign to our knowledge